The following is an entry in ClinVar:

ClinVar aggregate classification (germline): Uncertain significance (1 of 4 stars; one submission).

Submission:

GeneDx
Classification: Uncertain significance. Last evaluated: 2024-09-27. Review status: criteria provided, single submitter. Criteria: GeneDx Variant Classification Process June 2021. Collection method: clinical testing. Allele origin: germline.
Comment: Not observed at significant frequency in large population cohorts (gnomAD); In silico analysis supports that this missense variant has a deleterious effect on protein structure/function; Has not been previously published as pathogenic or benign to our knowledge; Variants in candidate genes are classified as variants of uncertain significance in accordance with ACMG guidelines (PMID: 25741868)

NM_014921.5(ADGRL1):c.1706T>C (p.Val569Ala)

Genes: ADGRL1 (adhesion G protein-coupled receptor L1; minus strand), ADGRL1-AS1 (ADGRL1 antisense RNA 1; plus strand). Cytogenetic location: 19p13.12.
Variant type: single nucleotide variant.
Coding change: c.1706T>C on transcript NM_014921.5 (MANE Select); coding-DNA position 1706, T replaced by C.
Protein change: p.Val569Ala; replaces valine 569 with alanine.
Molecular consequence: missense variant.
Genome position (GRCh38, 1-based): chr19:14,160,206, A>G on the plus strand (T>C on the coding strand, the complement: ADGRL1 is on the minus strand). VCF-style: chr19-14160206-A-G. GRCh37 (hg19) VCF-style: chr19-14271018-A-G.
Other names: c.1721T>C, p.Val574Ala (NM_001008701.3); short protein forms V569A, V574A.
Identifiers: ClinVar variation 4888172 (VCV004888172.1).
Genomic context (GRCh38, chr19:14,160,206, plus strand): 5'-ATGGGCCGCAGGGCCTGCAGCTGGGCATCCAGGATGTCCAGCAGCTGCTCCATCAGCTTC[A>G]CAGAGGAGGAGACGTCCCCCGCGTAGATGGAGCCCCGGGTGTGTCGGGCCAGCTCGCTGG-3'
Protein context (NP_055736.2, residues 559-579): SIYAGDVSSS[Val569Ala]KLMEQLLDIL